The following is an entry in ClinVar:

ClinVar aggregate classification (germline): Uncertain significance (1 of 4 stars; one submission).

gnomAD v4.1: 1 of 1,613,664 alleles (0.000062%); highest among the groups gnomAD compares: Non-Finnish European, 0.000085%; no homozygotes.

Submission:

GeneDx
Classification: Uncertain significance. Last evaluated: 2023-07-30. Review status: criteria provided, single submitter. Criteria: GeneDx Variant Classification Process June 2021. Collection method: clinical testing. Allele origin: germline. Affected: yes.
Comment: Not observed at significant frequency in large population cohorts (gnomAD); In silico analysis supports that this missense variant has a deleterious effect on protein structure/function; Has not been previously published as pathogenic or benign to our knowledge

NM_002576.5(PAK1):c.560C>T (p.Pro187Leu)

Gene: PAK1 (p21 (RAC1) activated kinase 1; minus strand). Cytogenetic location: 11q13.5.
Variant type: single nucleotide variant.
Coding change: c.560C>T on transcript NM_002576.5 (MANE Select); coding-DNA position 560, C replaced by T.
Protein change: p.Pro187Leu; replaces proline 187 with leucine.
Molecular consequence: missense variant. On other transcripts: non-coding transcript variant (2).
Genome position (GRCh38, 1-based): chr11:77,358,935, G>A on the plus strand (C>T on the coding strand, the complement: PAK1 is on the minus strand). VCF-style: chr11-77358935-G-A. GRCh37 (hg19) VCF-style: chr11-77069980-G-A.
Other names: c.560C>T, p.Pro187Leu (NM_001128620.2, NM_001376268.1, NM_001376269.1 and 26 more transcripts); c.581C>T, p.Pro194Leu (NM_001376272.1); c.311C>T, p.Pro104Leu (NM_001376301.1); c.266C>T, p.Pro89Leu (NM_001376302.1, NM_001376304.1, NM_001376305.1); short protein forms P104L, P187L, P194L, P89L.
Identifiers: ClinVar variation 3361690 (VCV003361690.1).